The following is an entry in ClinVar:

NM_031475.3(ESPN):c.2155A>C (p.Ser719Arg)

Gene: ESPN (espin; plus strand). Cytogenetic location: 1p36.31.
Variant type: single nucleotide variant.
Coding change: c.2155A>C on transcript NM_031475.3 (MANE Select); coding-DNA position 2155, A replaced by C.
Protein change: p.Ser719Arg; replaces serine 719 with arginine.
Molecular consequence: missense variant.
Genome position (GRCh38, 1-based): chr1:6,451,926, A>C. VCF-style: chr1-6451926-A-C. GRCh37 (hg19) VCF-style: chr1-6511986-A-C.
Other names: c.2155A>C (NM_031475.2); c.2065A>C, p.Ser689Arg (NM_001367473.1); c.2092A>C, p.Ser698Arg (NM_001367474.1); short protein forms S719R, S689R, S698R.
Identifiers: ClinVar variation 4420 (VCV000004420.6), dbSNP rs121908134, ClinGen allele CA116849.
Genomic context (GRCh38, chr1:6,451,926, plus strand): 5'-CTGTCACCAGTCCGGAGCCCCACACCGCCAGCTGCGGGGTTTCAGCCGCTGCTCAATGGA[A>C]GCTTGGTTCCCGTGCCGCCCACTACTCCTGCGCCGGGAGTGCAGCTGGACGTGGAGGCTC-3'
Protein context (NP_113663.2, residues 709-729): AAGFQPLLNG[Ser719Arg]LVPVPPTTPA

ClinVar aggregate classification (germline): Conflicting classifications of pathogenicity. Review status: criteria provided, conflicting classifications (1 of 4 stars). 4 submissions from 4 submitters: Likely pathogenic (1); Uncertain significance (2). 1 of the submissions does not count toward it. Last evaluated 2026-06-30.

Conditions:
ESPN-related disorder. Also called: ESPN-related condition.
Autosomal dominant nonsyndromic hearing loss 91. Also called: DEAFNESS, AUTOSOMAL DOMINANT 91. Identifiers: MedGen CN381539, MONDO:0981166, OMIM 621556.

Allele frequency attached by ClinVar (database versions not stated): gnomAD exomes below 0.00001; TOPMed 0.00001; ExAC 0.00001.
gnomAD v4.1: 8 of 1,610,998 alleles (0.0005%); highest among the groups gnomAD compares: Middle Eastern, 0.017%; no homozygotes.

Submissions (4):

PreventionGenetics, part of Exact Sciences
Classification: Uncertain significance for ESPN-related condition. Last evaluated: 2026-06-30. Review status: criteria provided, single submitter. Criteria: ACMG Guidelines, 2015. Collection method: clinical testing. Allele origin: germline.
Comment: The ESPN c.2155A>C variant is predicted to result in the amino acid substitution p.Ser719Arg. This variant was reported in the heterozygous state in at least one individual with hearing loss and functional in vitro experiments found this variant resulted in microvilli elongation (Donaudy et al. 2006. PubMed ID: 15930085; Table S2B, Abu Rayyan et al. 2020. PubMed ID: 32747562). This variant is reported in 0.00091% of alleles in individuals of European (Non-Finnish) descent in gnomAD. At this time, the clinical significance of this variant is uncertain due to the absence of conclusive functional and genetic evidence.

GeneDx
Classification: Uncertain significance. Last evaluated: 2026-04-07. Review status: criteria provided, single submitter. Criteria: GeneDx Variant Classification Process June 2021. Collection method: clinical testing. Allele origin: germline.
Comment: Not observed at significant frequency in large population cohorts (gnomAD); In silico analysis supports that this missense variant has a deleterious effect on protein structure/function; This variant is associated with the following publications: (PMID: 34426522, 15930085, 32747562, 18776598, 16909209)

Blueprint Genetics
Classification: Likely pathogenic for ESPN-related disorders. Last evaluated: 2021-11-07. Review status: criteria provided, single submitter. Criteria: ACMG Guidelines, 2015. Collection method: clinical testing. Allele origin: germline. Affected: yes. Observed: 2 variant alleles.

OMIM
Classification: Pathogenic for DEAFNESS, AUTOSOMAL DOMINANT 91. Last evaluated: 2006-02-01. Review status: no assertion criteria provided. Collection method: literature only. Allele origin: germline. Not counted in ClinVar's aggregate classification.

Literature cited by the submitters: PubMed 15930085 (cited by OMIM).